The following is an entry in ClinVar:

NM_001127511.3(APC):c.60A>T (p.Ser20=)

Gene: APC (APC regulator of Wnt signaling pathway; plus strand). Cytogenetic location: 5q22.2.
Variant type: single nucleotide variant.
Coding change: c.60A>T on transcript NM_001127511.3; coding-DNA position 60, A replaced by T.
Protein change: p.Ser20=; no amino-acid change (serine 20 retained).
Molecular consequence: synonymous variant. On other transcripts: 5 prime UTR variant (8), non-coding transcript variant (1), intron variant (5).
Genome position (GRCh38, 1-based): chr5:112,707,777, A>T. VCF-style: chr5-112707777-A-T. GRCh37 (hg19) VCF-style: chr5-112043474-A-T.
Other names: c.-124A>T (NM_001354895.2, NM_001407447.1, NM_001407452.1 and 3 more transcripts); c.60A>T, p.Ser20= (NM_001354897.2, NM_001354902.2, NM_001407446.1); c.-1159A>T (NM_001407470.1, NM_001407472.1); c.-19+128A>T (NM_001407448.1, NM_001407450.1, NM_001407457.1 and 1 more transcripts); c.-43+128A>T (NM_001407453.1).
Identifiers: ClinVar variation 1393465 (VCV001393465.7), dbSNP rs746199968, ClinGen allele CA058759.

ClinVar aggregate classification (germline): Uncertain significance (1 of 4 stars; one submission).

Conditions:
Familial adenomatous polyposis 1 (FAP1). Also called: FAMILIAL ADENOMATOUS POLYPOSIS 1, ATTENUATED; POLYPOSIS, ADENOMATOUS INTESTINAL. Identifiers: MedGen C2713442, MONDO:0021056, OMIM 175100. Disease mechanism: loss of function.

Allele frequency attached by ClinVar (database versions not stated): gnomAD exomes 0.00001 and below 0.00001; ExAC 0.00008.
gnomAD v4.1: 1 of 1,370,050 alleles (0.000073%); highest among the groups gnomAD compares: South Asian, 0.0012%; no homozygotes.

Submission:

Labcorp Genetics (formerly Invitae), Labcorp
Classification: Uncertain significance for Familial adenomatous polyposis 1. Last evaluated: 2025-05-05. Review status: criteria provided, single submitter. Criteria: Invitae Variant Classification Sherloc (09022015). Collection method: clinical testing. Allele origin: germline.
Comment: This variant occurs in a non-coding region of the APC gene. It does not change the encoded amino acid sequence of the APC protein. This variant is present in population databases (rs746199968, gnomAD 0.004%). This variant has not been reported in the literature in individuals affected with APC-related conditions. Experimental studies and prediction algorithms are not available or were not evaluated, and the functional significance of this variant is currently unknown. In summary, the available evidence is currently insufficient to determine the role of this variant in disease. Therefore, it has been classified as a Variant of Uncertain Significance.